The following is an entry in ClinVar:

ClinVar aggregate classification (germline): Uncertain significance (1 of 4 stars; one submission).

Conditions:
Distal myopathy with posterior leg and anterior hand involvement. Also called: WILLIAMS DISTAL MYOPATHY. Identifiers: Orphanet 63273, MedGen C3279722, MONDO:0013550, OMIM 614065.
Myofibrillar myopathy 5. Also called: Filaminopathy (type); FILAMINOPATHY, AUTOSOMAL DOMINANT. Identifiers: Orphanet 171445, MedGen C1836050, MONDO:0012289, OMIM 609524.
Hypertrophic cardiomyopathy 26. Also called: Cardiomyopathy, familial hypertrophic, 26. Identifiers: Orphanet 75249, MedGen C4310749, MONDO:0014883, OMIM 617047.

Submission:

Labcorp Genetics (formerly Invitae), Labcorp
Classification: Uncertain significance for Distal myopathy with posterior leg and anterior hand involvement; Myofibrillar myopathy 5; Hypertrophic cardiomyopathy 26. Last evaluated: 2024-05-02. Review status: criteria provided, single submitter. Criteria: Invitae Variant Classification Sherloc (09022015). Collection method: clinical testing. Allele origin: germline.
Comment: This sequence change replaces arginine, which is basic and polar, with proline, which is neutral and non-polar, at codon 44 of the FLNC protein (p.Arg44Pro). This variant is not present in population databases (gnomAD no frequency). This variant has not been reported in the literature in individuals affected with FLNC-related conditions. ClinVar contains an entry for this variant (Variation ID: 1997297). Advanced modeling of protein sequence and biophysical properties (such as structural, functional, and spatial information, amino acid conservation, physicochemical variation, residue mobility, and thermodynamic stability) has been performed at Invitae for this missense variant, however the output from this modeling did not meet the statistical confidence thresholds required to predict the impact of this variant on FLNC protein function. In summary, the available evidence is currently insufficient to determine the role of this variant in disease. Therefore, it has been classified as a Variant of Uncertain Significance.

NM_001458.5(FLNC):c.131G>C (p.Arg44Pro)

Gene: FLNC (filamin C; plus strand). Cytogenetic location: 7q32.1.
Variant type: single nucleotide variant.
Coding change: c.131G>C on transcript NM_001458.5 (MANE Select); coding-DNA position 131, G replaced by C.
Protein change: p.Arg44Pro; replaces arginine 44 with proline.
Molecular consequence: missense variant.
Genome position (GRCh38, 1-based): chr7:128,830,768, G>C. VCF-style: chr7-128830768-G-C. GRCh37 (hg19) VCF-style: chr7-128470822-G-C.
Other names: c.131G>C, p.Arg44Pro (NM_001127487.2); short protein forms R44P.
Identifiers: ClinVar variation 1997297 (VCV001997297.4), dbSNP rs1807853136, ClinGen allele CA369215919.